The following is an entry in ClinVar:

ClinVar aggregate classification (germline): Conflicting classifications of pathogenicity. Review status: criteria provided, conflicting classifications (1 of 4 stars). 2 submissions from 2 submitters: Uncertain significance (1); Benign (1). Last evaluated 2026-03-24.

Conditions:
CHARGE syndrome (CHARGE). Also called: Hittner Hirsch Kreh syndrome; Coloboma, heart anomaly, choanal atresia, retardation, genital and ear anomalies; CHARGE association; Hall-Hittner syndrome; CHARGE ASSOCIATION--COLOBOMA, HEART ANOMALY, CHOANAL ATRESIA, RETARDATION, GENITAL AND EAR ANOMALIES. Identifiers: Orphanet 138, MedGen C0265354, MONDO:0008965.
CHD7-related disorder. Also called: CHD7-related condition.

Allele frequency attached by ClinVar (database versions not stated): gnomAD exomes 0.00002; TOPMed 0.00002; ExAC 0.00003; gnomAD 0.00004; ESP Exome Variant Server 0.00008.
gnomAD v4.1: 32 of 1,613,518 alleles (0.002%); highest among the groups gnomAD compares: African/African-American, 0.0027%; no homozygotes.

Submissions (2):

PreventionGenetics, part of Exact Sciences
Classification: Uncertain significance for CHD7-related condition. Last evaluated: 2026-03-24. Review status: criteria provided, single submitter. Criteria: ACMG Guidelines, 2015. Collection method: clinical testing. Allele origin: germline.
Comment: The CHD7 c.524C>T variant is predicted to result in the amino acid substitution p.Ser175Leu. This variant has been reported in an individual with undescended testes (Lucas-Herald et al. 2023. PubMed ID:38205164). This variant is reported in 0.0051% of alleles in individuals of East Asian descent in gnomAD. At this time, the clinical significance of this variant is uncertain due to the absence of conclusive functional and genetic evidence.

Labcorp Genetics (formerly Invitae), Labcorp
Classification: Benign for CHARGE syndrome. Last evaluated: 2025-06-12. Review status: criteria provided, single submitter. Criteria: Invitae Variant Classification Sherloc (09022015). Collection method: clinical testing. Allele origin: germline.

NM_017780.4(CHD7):c.524C>T (p.Ser175Leu)

Gene: CHD7 (chromodomain helicase DNA binding protein 7; plus strand). Cytogenetic location: 8q12.2.
Variant type: single nucleotide variant.
Coding change: c.524C>T on transcript NM_017780.4 (MANE Select); coding-DNA position 524, C replaced by T.
Protein change: p.Ser175Leu; replaces serine 175 with leucine.
Molecular consequence: missense variant.
Genome position (GRCh38, 1-based): chr8:60,741,956, C>T. VCF-style: chr8-60741956-C-T. GRCh37 (hg19) VCF-style: chr8-61654515-C-T.
Other names: c.524C>T, p.Ser175Leu (NM_001316690.1); short protein forms S175L.
Identifiers: ClinVar variation 529128 (VCV000529128.7), dbSNP rs370305211, ClinGen allele CA4759336.